The following is an entry in ClinVar:

NM_199420.4(POLQ):c.6950C>T (p.Ala2317Val)

Gene: POLQ (DNA polymerase theta; minus strand). Cytogenetic location: 3q13.33.
Variant type: single nucleotide variant.
Coding change: c.6950C>T on transcript NM_199420.4 (MANE Select); coding-DNA position 6950, C replaced by T.
Protein change: p.Ala2317Val; replaces alanine 2317 with valine.
Molecular consequence: missense variant.
Genome position (GRCh38, 1-based): chr3:121,467,536, G>A on the plus strand (C>T on the coding strand, the complement: POLQ is on the minus strand). VCF-style: chr3-121467536-G-A. GRCh37 (hg19) VCF-style: chr3-121186383-G-A.
Other names: short protein forms A2317V.
Identifiers: ClinVar variation 3422486 (VCV003422486.1).

ClinVar aggregate classification (germline): Uncertain significance (1 of 4 stars; one submission).

Submission:

Ambry Genetics
Classification: Uncertain significance. Last evaluated: 2024-08-10. Review status: criteria provided, single submitter. Criteria: Ambry Variant Classification Scheme 2023. Collection method: clinical testing. Allele origin: germline.
Comment: The p.A2317V variant (also known as c.6950C>T), located in coding exon 24 of the POLQ gene, results from a C to T substitution at nucleotide position 6950. The alanine at codon 2317 is replaced by valine, an amino acid with similar properties. This amino acid position is conserved. In addition, this alteration is predicted to be deleterious by in silico analysis. Based on the available evidence, the clinical significance of this variant remains unclear.